The following is an entry in ClinVar:

NM_001369.3(DNAH5):c.13626_13627insAAAA (p.Ala4543fs)

Gene: DNAH5 (dynein axonemal heavy chain 5; minus strand). Cytogenetic location: 5p15.2.
Variant type: Insertion.
Coding change: c.13626_13627insAAAA on transcript NM_001369.3 (MANE Select); coding-DNA positions 13626 to 13627, AAAA inserted.
Protein change: p.Ala4543fs; shifts the reading frame from alanine 4543.
Molecular consequence: frameshift variant.
Genome position: GRCh38 VCF-style: chr5-13700736-C-CTTTT. GRCh37 (hg19) VCF-style: chr5-13700845-C-CTTTT.
Other names: short protein forms A4543fs.
Identifiers: ClinVar variation 1398778 (VCV001398778.6), dbSNP rs1741984828, ClinGen allele CA1073393137.

ClinVar aggregate classification (germline): Pathogenic (1 of 4 stars; one submission).

Conditions:
Primary ciliary dyskinesia. Also called: Ciliary dyskinesia. Identifiers: Orphanet 244, MedGen C0008780, MONDO:0016575, HP:0012265.

Allele frequency attached by ClinVar (database versions not stated): gnomAD 0.00001.

Submission:

Labcorp Genetics (formerly Invitae), Labcorp
Classification: Pathogenic for Primary ciliary dyskinesia. Last evaluated: 2024-02-25. Review status: criteria provided, single submitter. Criteria: Invitae Variant Classification Sherloc (09022015). Collection method: clinical testing. Allele origin: germline.
Comment: This sequence change creates a premature translational stop signal (p.Ala4543Lysfs*13) in the DNAH5 gene. It is expected to result in an absent or disrupted protein product. Loss-of-function variants in DNAH5 are known to be pathogenic (PMID: 11788826, 16627867). This variant is not present in population databases (gnomAD no frequency). This variant has not been reported in the literature in individuals affected with DNAH5-related conditions. ClinVar contains an entry for this variant (Variation ID: 1398778). Algorithms developed to predict the effect of sequence changes on RNA splicing suggest that this variant may disrupt the consensus splice site. For these reasons, this variant has been classified as Pathogenic.

Literature cited by the submitters: PubMed 11788826; PubMed 16627867.